The following is an entry in ClinVar:

ClinVar aggregate classification (germline): Likely benign. Review status: criteria provided, single submitter (1 of 4 stars). 2 submissions from 2 submitters: Likely benign (1). 1 of the submissions does not count toward it. Last evaluated 2024-11-28.

Conditions:
SHOX-related disorder. Also called: SHOX-related condition.

Submissions (2):

Blueprint Genetics
Classification: Likely benign. Last evaluated: 2024-11-28. Review status: criteria provided, single submitter. Criteria: ACMG Guidelines, 2015. Collection method: clinical testing. Allele origin: germline.

PreventionGenetics, part of Exact Sciences
Classification: Likely benign for SHOX-related condition. Last evaluated: 2021-02-16. Review status: no assertion criteria provided. Collection method: clinical testing. Allele origin: germline. Not counted in ClinVar's aggregate classification.
Comment: This variant is classified as likely benign based on ACMG/AMP sequence variant interpretation guidelines (Richards et al. 2015 PMID: 25741868, with internal and published modifications).

NM_006883.2(SHOX):c.-637_-636dup

Gene: SHOX (SHOX homeobox; plus strand). Cytogenetic location: Xp22.33.
Variant type: Duplication.
Coding change: c.-637_-636dup on transcript NM_006883.2; 637 bases upstream of the start codon through 636 bases upstream of the start codon, 2 bases duplicated (TT; older notation c.-637_-636dupTT).
Molecular consequence: 5 prime UTR variant.
Genome position (GRCh38, 1-based): chrX:624,398-624,399, TT duplicated; duplicating any 2 consecutive bases within chrX:624,387-624,399 gives the same sequence; the c. name uses the placement nearest the transcript's 3' end. VCF-style (leftmost placement, unchanged base first): chrX-624386-C-CTT. GRCh37 (hg19) VCF-style: chrX-585121-C-CTT.
Other names: c.-637_-636dupTT (NM_000451.3).
Identifiers: ClinVar variation 3036935 (VCV003036935.3), dbSNP rs55872554, ClinGen allele CA640111267.